The following is an entry in ClinVar:

ClinVar aggregate classification (germline): Uncertain significance. Review status: criteria provided, multiple submitters, no conflicts (2 of 4 stars). 5 submissions from 5 submitters: Uncertain significance (5). Last evaluated 2026-09-09.

Conditions:
Inborn genetic diseases. Identifiers: MedGen C0950123, MeSH D030342.
Autosomal recessive nonsyndromic hearing loss 25. Identifiers: Orphanet 90636, MedGen C1414017, MONDO:0013210, OMIM 613285.

Allele frequency attached by ClinVar (database versions not stated): gnomAD 0.00003 and 0.00004; gnomAD exomes 0.00006; TOPMed 0.00009; ExAC 0.00009.
gnomAD v4.1: 101 of 1,613,496 alleles (0.0063%); highest among the groups gnomAD compares: Middle Eastern, 0.033%; 1 homozygote.

Submissions (5):

GeneDx
Classification: Uncertain significance. Last evaluated: 2026-09-09. Review status: criteria provided, single submitter. Criteria: GeneDx Variant Classification Process June 2021. Collection method: clinical testing. Allele origin: germline.
Comment: In silico analysis suggests that this missense variant does not alter protein structure/function; Has not been previously published as pathogenic or benign to our knowledge

Ambry Genetics
Classification: Uncertain significance for Inborn genetic diseases. Last evaluated: 2025-08-24. Review status: criteria provided, single submitter. Criteria: Ambry Variant Classification Scheme 2023. Collection method: clinical testing. Allele origin: germline.

Labcorp Genetics (formerly Invitae), Labcorp
Classification: Uncertain significance. Last evaluated: 2024-10-24. Review status: criteria provided, single submitter. Criteria: Invitae Variant Classification Sherloc (09022015). Collection method: clinical testing. Allele origin: germline.
Comment: This sequence change replaces valine, which is neutral and non-polar, with isoleucine, which is neutral and non-polar, at codon 109 of the GRXCR1 protein (p.Val109Ile). This variant is present in population databases (rs760182093, gnomAD 0.03%). This variant has not been reported in the literature in individuals affected with GRXCR1-related conditions. ClinVar contains an entry for this variant (Variation ID: 901354). Invitae Evidence Modeling of protein sequence and biophysical properties (such as structural, functional, and spatial information, amino acid conservation, physicochemical variation, residue mobility, and thermodynamic stability) indicates that this missense variant is not expected to disrupt GRXCR1 protein function with a negative predictive value of 80%. In summary, the available evidence is currently insufficient to determine the role of this variant in disease. Therefore, it has been classified as a Variant of Uncertain Significance.

Blueprint Genetics
Classification: Uncertain significance. Last evaluated: 2024-09-09. Review status: criteria provided, single submitter. Criteria: ACMG Guidelines, 2015. Collection method: clinical testing. Allele origin: germline.

Illumina Laboratory Services, Illumina
Classification: Uncertain significance for Autosomal recessive nonsyndromic hearing loss 25. Last evaluated: 2018-01-12. Review status: criteria provided, single submitter. Criteria: ICSL Variant Classification Criteria 13 December 2019. Collection method: clinical testing. Allele origin: germline.

NM_001080476.3(GRXCR1):c.325G>A (p.Val109Ile)

Gene: GRXCR1 (glutaredoxin and cysteine rich domain containing 1; plus strand). Cytogenetic location: 4p13.
Variant type: single nucleotide variant.
Coding change: c.325G>A on transcript NM_001080476.3 (MANE Select); coding-DNA position 325, G replaced by A.
Protein change: p.Val109Ile; replaces valine 109 with isoleucine.
Molecular consequence: missense variant.
Genome position (GRCh38, 1-based): chr4:42,893,591, G>A. VCF-style: chr4-42893591-G-A. GRCh37 (hg19) VCF-style: chr4-42895608-G-A.
Other names: short protein forms V109I.
Identifiers: ClinVar variation 901354 (VCV000901354.11), dbSNP rs760182093, ClinGen allele CA2904360.